The following is an entry in ClinVar:

NM_004360.5(CDH1):c.756A>T (p.Val252=)

Gene: CDH1 (cadherin 1; plus strand). Cytogenetic location: 16q22.1.
Variant type: single nucleotide variant.
Coding change: c.756A>T on transcript NM_004360.5 (MANE Select); coding-DNA position 756, A replaced by T.
Protein change: p.Val252=; no amino-acid change (valine 252 retained).
Molecular consequence: synonymous variant. On other transcripts: 5 prime UTR variant (2).
Genome position (GRCh38, 1-based): chr16:68,810,265, A>T. VCF-style: chr16-68810265-A-T. GRCh37 (hg19) VCF-style: chr16-68844168-A-T.
Other names: c.756A>T, p.Val252= (NM_001317184.2); c.-860A>T (NM_001317185.2); c.-1064A>T (NM_001317186.2).
Identifiers: ClinVar variation 3378574 (VCV003378574.1).
Genomic context (GRCh38, chr16:68,810,265, plus strand): 5'-TCACGCTGTGTCATCCAACGGGAATGCAGTTGAGGATCCAATGGAGATTTTGATCACGGT[A>T]ACCGATCAGAATGACAACAAGCCCGAATTCACCCAGGAGGTCTTTAAGGGGTCTGTCATG-3'
Protein context (NP_004351.1, residues 242-262): VEDPMEILIT[Val252=]TDQNDNKPEF

ClinVar aggregate classification (germline): Benign (1 of 4 stars; one submission).

Conditions:
Hereditary diffuse gastric adenocarcinoma (HDGC). Also called: DIFFUSE GASTRIC AND LOBULAR BREAST CANCER SYNDROME. Identifiers: Orphanet 26106, MedGen C1708349, MONDO:0007648, OMIM 137215.

Submission:

Myriad Genetics, Inc.
Classification: Benign for Hereditary diffuse gastric adenocarcinoma. Last evaluated: 2024-09-13. Review status: criteria provided, single submitter. Criteria: Myriad Autosomal Dominant, Autosomal Recessive and X-Linked Classification Criteria (2023). Collection method: clinical testing. Allele origin: unknown.
Comment: This variant is considered benign. This variant is a silent/synonymous amino acid change and it is not expected to impact splicing.